The following is an entry in ClinVar:

NC_000016.9:g.(?_8841945)_(8941682_?)dup

Genes: PMM2 (phosphomannomutase 2; plus strand), ABAT (4-aminobutyrate aminotransferase; plus strand), TMEM186 (transmembrane protein 186; minus strand). Cytogenetic location: 16p13.2.
Variant type: Duplication.
Identifiers: ClinVar variation 2426577 (VCV002426577.5).

ClinVar aggregate classification (germline): Uncertain significance (1 of 4 stars; one submission).

Conditions:
Gamma-aminobutyric acid transaminase deficiency (GABATD). Also called: GABA transaminase deficiency; Gamma aminobutyrate transaminase deficiency; 4 alpha aminobutyrate transaminase deficiency; GABA aminotransaminase deficiency. Identifiers: Orphanet 2066, MedGen C0342708, MONDO:0013166, OMIM 613163.

Submission:

Labcorp Genetics (formerly Invitae), Labcorp
Classification: Uncertain significance for Gamma-aminobutyric acid transaminase deficiency. Last evaluated: 2022-06-05. Review status: criteria provided, single submitter. Criteria: Invitae Variant Classification Sherloc (09022015). Collection method: clinical testing. Allele origin: germline.
Comment: In summary, the available evidence is currently insufficient to determine the role of this variant in disease. Therefore, it has been classified as a Variant of Uncertain Significance. Experimental studies and prediction algorithms are not available or were not evaluated, and the functional significance of this variant is currently unknown. This variant has not been reported in the literature in individuals affected with ABAT-related conditions. This variant results in a copy number gain of the genomic region encompassing exon(s) 4-16 of the ABAT gene. This region includes the termination codon of the gene. This copy number gain extends beyond the assayed region for this gene and therefore may encompass additional genes. As the precise location of this event is unknown, it may be in tandem or it may be located elsewhere in the genome.